The following is an entry in ClinVar:

NM_003924.4(PHOX2B):c.669T>C (p.Ala223=)

Gene: PHOX2B (paired like homeobox 2B; minus strand). Cytogenetic location: 4p13.
Variant type: single nucleotide variant.
Coding change: c.669T>C on transcript NM_003924.4 (MANE Select); coding-DNA position 669, T replaced by C.
Protein change: p.Ala223=; no amino-acid change (alanine 223 retained).
Molecular consequence: synonymous variant.
Genome position (GRCh38, 1-based): chr4:41,746,083, A>G on the plus strand (T>C on the coding strand, the complement: PHOX2B is on the minus strand). VCF-style: chr4-41746083-A-G. GRCh37 (hg19) VCF-style: chr4-41748100-A-G.
Identifiers: ClinVar variation 4084750 (VCV004084750.8).

ClinVar aggregate classification (germline): Likely benign (1 of 4 stars; one submission).

Submission:

CeGaT Center for Human Genetics Tuebingen
Classification: Likely benign. Last evaluated: 2025-08-01. Review status: criteria provided, single submitter. Criteria: CeGaT Center For Human Genetics Tuebingen Variant Classification Criteria Version 2. Collection method: clinical testing. Allele origin: germline. Affected: yes. Observed: 1 variant allele.
Comment: PHOX2B: BP4, BP7